The following is an entry in ClinVar:

ClinVar aggregate classification (germline): Likely pathogenic (1 of 4 stars; one submission).

Conditions:
Perlman syndrome (PRLMNS). Identifiers: Orphanet 2849, MedGen C0796113, MONDO:0009965, OMIM 267000.

Submission:

Labcorp Genetics (formerly Invitae), Labcorp
Classification: Likely pathogenic for Perlman syndrome. Last evaluated: 2023-05-26. Review status: criteria provided, single submitter. Criteria: Invitae Variant Classification Sherloc (09022015). Collection method: clinical testing. Allele origin: germline.
Comment: In summary, the currently available evidence indicates that the variant is pathogenic, but additional data are needed to prove that conclusively. Therefore, this variant has been classified as Likely Pathogenic. Algorithms developed to predict the effect of sequence changes on RNA splicing suggest that this variant may disrupt the consensus splice site. This variant has not been reported in the literature in individuals affected with DIS3L2-related conditions. This variant is not present in population databases (gnomAD no frequency). This sequence change affects a splice site in intron 11 of the DIS3L2 gene. It is expected to disrupt RNA splicing. Variants that disrupt the donor or acceptor splice site typically lead to a loss of protein function (PMID: 16199547), and loss-of-function variants in DIS3L2 are known to be pathogenic (PMID: 22306653, 28328139).

Literature cited by the submitters: PubMed 16199547; PubMed 22306653; PubMed 28328139.

NM_152383.5(DIS3L2):c.1318-11_1318-2del

Gene: DIS3L2 (DIS3 like 3'-5' exoribonuclease 2; plus strand). Cytogenetic location: 2q37.1.
Variant type: Deletion.
Coding change: c.1318-11_1318-2del on transcript NM_152383.5 (MANE Select); 11 bases into the intron before coding-DNA position 1318 through the canonical splice acceptor site of the intron before coding-DNA position 1318, 10 bases deleted (TCTATTTACA; older notation c.1318-11_1318-2delTCTATTTACA).
Molecular consequence: splice acceptor variant.
Genome position (GRCh38, 1-based): chr2:232,249,228-232,249,237, TCTATTTACA deleted. VCF-style (leftmost placement, unchanged base first): chr2-232249227-CTCTATTTACA-C. GRCh37 (hg19) VCF-style: chr2-233113937-CTCTATTTACA-C.
Other names: c.1318-11_1318-2del (NM_001257281.2).
Identifiers: ClinVar variation 2725652 (VCV002725652.3), dbSNP rs2470049210, ClinGen allele CA2697550568.